The following is an entry in ClinVar:

ClinVar aggregate classification (germline): Uncertain significance (1 of 4 stars; one submission).

Allele frequency attached by ClinVar (database versions not stated): ExAC 0.00001; gnomAD exomes 0.00001 and 0.00002.
gnomAD v4.1: 10 of 1,601,016 alleles (0.00062%); highest among the groups gnomAD compares: Admixed American, 0.012%; no homozygotes.

Submission:

Labcorp Genetics (formerly Invitae), Labcorp
Classification: Uncertain significance. Last evaluated: 2021-09-18. Review status: criteria provided, single submitter. Criteria: Invitae Variant Classification Sherloc (09022015). Collection method: clinical testing. Allele origin: germline.
Comment: This variant has not been reported in the literature in individuals affected with PLD1-related conditions. This sequence change replaces tyrosine with histidine at codon 716 of the PLD1 protein (p.Tyr716His). The tyrosine residue is moderately conserved and there is a moderate physicochemical difference between tyrosine and histidine. This variant is present in population databases (rs764435107, ExAC 0.009%). Algorithms developed to predict the effect of missense changes on protein structure and function are either unavailable or do not agree on the potential impact of this missense change (SIFT: "Deleterious"; PolyPhen-2: "Probably Damaging"; Align-GVGD: "Class C0"). In summary, the available evidence is currently insufficient to determine the role of this variant in disease. Therefore, it has been classified as a Variant of Uncertain Significance.

NM_002662.5(PLD1):c.2146T>C (p.Tyr716His)

Gene: PLD1 (phospholipase D1; minus strand). Cytogenetic location: 3q26.31.
Variant type: single nucleotide variant.
Coding change: c.2146T>C on transcript NM_002662.5 (MANE Select); coding-DNA position 2146, T replaced by C.
Protein change: p.Tyr716His; replaces tyrosine 716 with histidine.
Molecular consequence: missense variant.
Genome position (GRCh38, 1-based): chr3:171,674,583, A>G on the plus strand (T>C on the coding strand, the complement: PLD1 is on the minus strand). VCF-style: chr3-171674583-A-G. GRCh37 (hg19) VCF-style: chr3-171392373-A-G.
Other names: c.2032T>C, p.Tyr678His (NM_001130081.3); short protein forms Y678H, Y716H.
Identifiers: ClinVar variation 1431834 (VCV001431834.6), dbSNP rs764435107, ClinGen allele CA2704353.